The following is an entry in ClinVar:

ClinVar aggregate classification (germline): Uncertain significance. Review status: criteria provided, multiple submitters, no conflicts (2 of 4 stars). 5 submissions from 5 submitters: Uncertain significance (4). 1 of the submissions does not count toward it. Last evaluated 2026-01-26.

Conditions:
Retinitis pigmentosa 25 (RP25). Identifiers: Orphanet 791, MedGen C1864446, MONDO:0011272, OMIM 602772.
Inborn genetic diseases. Identifiers: MedGen C0950123, MeSH D030342.
Autosomal recessive retinitis pigmentosa. Identifiers: MedGen C0339526.

Allele frequency attached by ClinVar (database versions not stated): ExAC 0.00007; ESP Exome Variant Server 0.00015; 1000 Genomes Project 30x 0.00031; gnomAD 0.00031 and 0.00034; TOPMed 0.00032; 1000 Genomes Project 0.00040.
gnomAD v4.1: 75 of 1,609,910 alleles (0.0047%); highest among the groups gnomAD compares: African/African-American, 0.079%; no homozygotes.

Submissions (5):

Labcorp Genetics (formerly Invitae), Labcorp
Classification: Uncertain significance. Last evaluated: 2026-01-26. Review status: criteria provided, single submitter. Criteria: Invitae Variant Classification Sherloc (09022015). Collection method: clinical testing. Allele origin: germline.
Comment: This sequence change replaces aspartic acid, which is acidic and polar, with alanine, which is neutral and non-polar, at codon 583 of the EYS protein (p.Asp583Ala). This variant is present in population databases (rs113591099, gnomAD 0.07%). This variant has not been reported in the literature in individuals affected with EYS-related conditions. ClinVar contains an entry for this variant (Variation ID: 851095). Invitae Evidence Modeling of protein sequence and biophysical properties (such as structural, functional, and spatial information, amino acid conservation, physicochemical variation, residue mobility, and thermodynamic stability) indicates that this missense variant is not expected to disrupt EYS protein function with a negative predictive value of 80%. In summary, the available evidence is currently insufficient to determine the role of this variant in disease. Therefore, it has been classified as a Variant of Uncertain Significance.

Blueprint Genetics
Classification: Uncertain significance. Last evaluated: 2024-06-24. Review status: criteria provided, single submitter. Criteria: ACMG Guidelines, 2015. Collection method: clinical testing. Allele origin: germline.

Ambry Genetics
Classification: Uncertain significance for Inborn genetic diseases. Last evaluated: 2022-09-06. Review status: criteria provided, single submitter. Criteria: Ambry Variant Classification Scheme 2023. Collection method: clinical testing. Allele origin: germline.

Fulgent Genetics
Classification: Uncertain significance for Retinitis pigmentosa 25. Last evaluated: 2021-12-09. Review status: criteria provided, single submitter. Criteria: ACMG Guidelines, 2015. Collection method: clinical testing. Allele origin: unknown.

Natera, Inc.
Classification: Uncertain significance for Autosomal recessive retinitis pigmentosa. Last evaluated: 2020-08-27. Review status: no assertion criteria provided. Collection method: clinical testing. Allele origin: germline. Not counted in ClinVar's aggregate classification.

NM_001142800.2(EYS):c.1748A>C (p.Asp583Ala)

Gene: EYS (EGF-like photoreceptor maintenance factor; minus strand). Cytogenetic location: 6q12.
Variant type: single nucleotide variant.
Coding change: c.1748A>C on transcript NM_001142800.2 (MANE Select); coding-DNA position 1748, A replaced by C.
Protein change: p.Asp583Ala; replaces aspartic acid 583 with alanine.
Molecular consequence: missense variant.
Genome position (GRCh38, 1-based): chr6:65,334,998, T>G on the plus strand (A>C on the coding strand, the complement: EYS is on the minus strand). VCF-style: chr6-65334998-T-G. GRCh37 (hg19) VCF-style: chr6-66044891-T-G.
Other names: c.1748A>C, p.Asp583Ala (NM_001142801.2, NM_001292009.2, NM_198283.2); short protein forms D583A.
Identifiers: ClinVar variation 851095 (VCV000851095.10), dbSNP rs113591099, ClinGen allele CA3877632.